The following is an entry in ClinVar:

ClinVar aggregate classification (germline): Conflicting classifications of pathogenicity. Review status: criteria provided, conflicting classifications (1 of 4 stars). 4 submissions from 4 submitters: Uncertain significance (1); Likely benign (3). Last evaluated 2025-12-12.

Conditions:
FOXC1-related disorder. Also called: FOXC1-related condition.
Axenfeld-Rieger syndrome type 3 (RIEG3). Also called: AXENFELD-RIEGER ANOMALY WITH CARDIAC DEFECTS AND/OR SENSORINEURAL HEARING LOSS. Identifiers: Orphanet 782, MedGen C2678503, MONDO:0011233, OMIM 602482.

Allele frequency attached by ClinVar (database versions not stated): gnomAD 0.00024; gnomAD exomes 0.00035; TOPMed 0.00037; ExAC 0.00126.
gnomAD v4.1: 538 of 1,449,808 alleles (0.037%); highest among the groups gnomAD compares: South Asian, 0.081%; 1 homozygote.

Submissions (4):

Labcorp Genetics (formerly Invitae), Labcorp
Classification: Likely benign for Axenfeld-Rieger syndrome type 3. Last evaluated: 2025-12-12. Review status: criteria provided, single submitter. Criteria: Invitae Variant Classification Sherloc (09022015). Collection method: clinical testing. Allele origin: germline.

CeGaT Center for Human Genetics Tuebingen
Classification: Likely benign. Last evaluated: 2025-08-01. Review status: criteria provided, single submitter. Criteria: CeGaT Center For Human Genetics Tuebingen Variant Classification Criteria Version 2. Collection method: clinical testing. Allele origin: germline. Affected: yes. Observed: 3 variant alleles.
Comment: FOXC1: BS1

PreventionGenetics, part of Exact Sciences
Classification: Likely benign for FOXC1-related condition. Last evaluated: 2025-06-10. Review status: criteria provided, single submitter. Criteria: ACMG Guidelines, 2015. Collection method: clinical testing. Allele origin: germline.
Comment: This variant is classified as likely benign based on ACMG/AMP sequence variant interpretation guidelines (Richards et al. 2015 PMID: 25741868, with internal and published modifications).

GeneDx
Classification: Uncertain significance. Last evaluated: 2019-06-10. Review status: criteria provided, single submitter. Criteria: GeneDx Variant Classification Process June 2021. Collection method: clinical testing. Allele origin: germline. Affected: yes.
Comment: In silico analysis, which includes protein predictors and evolutionary conservation, supports a deleterious effect; Has not been previously published as pathogenic or benign germline variant to our knowledge; This variant is associated with the following publications: (PMID: 24823478, 30653986)

NM_001453.3(FOXC1):c.962C>A (p.Pro321Gln)

Gene: FOXC1 (forkhead box C1; plus strand). Cytogenetic location: 6p25.3.
Variant type: single nucleotide variant.
Coding change: c.962C>A on transcript NM_001453.3 (MANE Select); coding-DNA position 962, C replaced by A.
Protein change: p.Pro321Gln; replaces proline 321 with glutamine.
Molecular consequence: missense variant.
Genome position (GRCh38, 1-based): chr6:1,611,407, C>A. VCF-style: chr6-1611407-C-A. GRCh37 (hg19) VCF-style: chr6-1611642-C-A.
Other names: short protein forms P321Q.
Identifiers: ClinVar variation 779750 (VCV000779750.37), dbSNP rs754743917, ClinGen allele CA3614839.